The following is an entry in ClinVar:

ClinVar aggregate classification (germline): Uncertain significance. Review status: criteria provided, multiple submitters, no conflicts (2 of 4 stars). 2 submissions from 2 submitters: Uncertain significance (2). Last evaluated 2024-07-09.

Conditions:
Hereditary breast ovarian cancer syndrome. Also called: Hereditary breast and ovarian cancer syndrome; Hereditary breast and ovarian cancer syndrome (HBOC); BRCA1- and BRCA2-Associated Hereditary Breast and Ovarian Cancer; Hereditary breast and ovarian cancer; Breast and ovarian cancer; Hereditary breast and/or ovarian cancer syndrome. Identifiers: Orphanet 145, MedGen C0677776, MeSH D061325, MONDO:0003582. Disease mechanism: loss of function.
Hereditary cancer-predisposing syndrome. Also called: Neoplastic Syndromes, Hereditary; Tumor predisposition; Hereditary Cancer Syndrome; Hereditary neoplastic syndrome. Identifiers: Orphanet 140162, MedGen C0027672, MeSH D009386, MONDO:0015356.

Submissions (2):

Color Diagnostics, LLC DBA Color Health
Classification: Uncertain significance for Hereditary cancer-predisposing syndrome. Last evaluated: 2024-07-09. Review status: criteria provided, single submitter. Criteria: ACMG Guidelines, 2015. Collection method: clinical testing. Allele origin: germline.
Comment: This missense variant replaces valine with glutamic acid at codon 545 of the BRCA1 protein. Computational prediction is inconclusive regarding the impact of this variant on protein structure and function. To our knowledge, functional studies have not been reported for this variant. This variant has not been reported in individuals affected with BRCA1-related disorders in the literature. This variant has not been identified in the general population by the Genome Aggregation Database (gnomAD). The available evidence is insufficient to determine the role of this variant in disease conclusively. Therefore, this variant is classified as a Variant of Uncertain Significance.

Labcorp Genetics (formerly Invitae), Labcorp
Classification: Uncertain significance for Hereditary breast ovarian cancer syndrome. Last evaluated: 2024-05-26. Review status: criteria provided, single submitter. Criteria: Invitae Variant Classification Sherloc (09022015). Collection method: clinical testing. Allele origin: germline.
Comment: This sequence change replaces valine, which is neutral and non-polar, with glutamic acid, which is acidic and polar, at codon 545 of the BRCA1 protein (p.Val545Glu). This variant is not present in population databases (gnomAD no frequency). This variant has not been reported in the literature in individuals affected with BRCA1-related conditions. Advanced modeling of protein sequence and biophysical properties (such as structural, functional, and spatial information, amino acid conservation, physicochemical variation, residue mobility, and thermodynamic stability) performed at Invitae indicates that this missense variant is not expected to disrupt BRCA1 protein function with a negative predictive value of 95%. In summary, the available evidence is currently insufficient to determine the role of this variant in disease. Therefore, it has been classified as a Variant of Uncertain Significance.

NM_007294.4(BRCA1):c.1634T>A (p.Val545Glu)

Gene: BRCA1 (BRCA1 DNA repair associated; minus strand). Cytogenetic location: 17q21.31.
Variant type: single nucleotide variant.
Coding change: c.1634T>A on transcript NM_007294.4 (MANE Select); coding-DNA position 1634, T replaced by A.
Protein change: p.Val545Glu; replaces valine 545 with glutamic acid.
Molecular consequence: missense variant. On other transcripts: intron variant (137).
Genome position (GRCh38, 1-based): chr17:43,093,897, A>T on the plus strand (T>A on the coding strand, the complement: BRCA1 is on the minus strand). VCF-style: chr17-43093897-A-T. GRCh37 (hg19) VCF-style: chr17-41245914-A-T.
Other names: c.1421T>A, p.Val474Glu (NM_001407571.1, NM_001407853.1, NM_001407894.1 and 9 more transcripts); c.1634T>A, p.Val545Glu (NM_001407581.1, NM_001407582.1, NM_001407583.1 and 30 more transcripts); c.1631T>A, p.Val544Glu (NM_001407587.1, NM_001407590.1, NM_001407591.1 and 22 more transcripts); c.1625T>A, p.Val542Glu (NM_001407646.1, NM_001407647.1); c.1511T>A, p.Val504Glu (NM_001407648.1, NM_001407664.1, NM_001407665.1 and 19 more transcripts); c.1508T>A, p.Val503Glu (NM_001407649.1, NM_001407670.1, NM_001407671.1 and 11 more transcripts); c.1556T>A, p.Val519Glu (NM_001407653.1, NM_001407654.1, NM_001407655.1 and 4 more transcripts); c.1553T>A, p.Val518Glu (NM_001407659.1, NM_001407660.1, NM_001407661.1 and 1 more transcripts); and 40 more; short protein forms V417E, V475E, V477E, V497E, V518E, V545E, V249E, V433E.
Identifiers: ClinVar variation 3634687 (VCV003634687.3).
Genomic context (GRCh38, chr17:43,093,897, plus strand): 5'-TCATTCTGAATAGAATCACCTTTTGTTTTATTCTCATGACCACTATTAGTAATATTCATC[A>T]CTTGACCATTCTGCTCCGTTTGGTTAGTTCCCTGATTTATCATTTCAGGAGTCTTTTGAA-3'
Protein context (NP_009225.1, residues 535-555): GTNQTEQNGQ[Val545Glu]MNITNSGHEN